The following is an entry in ClinVar:

NM_206933.4(USH2A):c.7305dup (p.Asp2436fs)

Gene: USH2A (usherin; minus strand). Cytogenetic location: 1q41.
Variant type: Duplication.
Coding change: c.7305dup on transcript NM_206933.4 (MANE Select); coding-DNA position 7305, one base duplicated (A; older notation c.7305dupA).
Protein change: p.Asp2436fs; shifts the reading frame from aspartic acid 2436.
Molecular consequence: frameshift variant.
Genome position (GRCh38, 1-based): chr1:215,900,901, T duplicated on the plus strand (A on the coding strand, the reverse complement: USH2A is on the minus strand). VCF-style (leftmost placement, unchanged base first): chr1-215900900-C-CT. GRCh37 (hg19) VCF-style: chr1-216074242-C-CT.
Other names: short protein forms D2436fs.
Identifiers: ClinVar variation 2679547 (VCV002679547.4), dbSNP rs2464785510, ClinGen allele CA2695200024.
Genomic context (GRCh38, chr1:215,900,900, plus strand): 5'-ACCAGACAACCTGAAGACTGGTTGGAGTGGCAGATGAAAGCCTGGGAGGCAGCACGCCAT[C>CT]TGGAGCTGTCGAAAAACACAGATGAATTAGAGCAGAGAAAACTGTGGAGAACATATGCTG-3'

ClinVar aggregate classification (germline): Pathogenic/Likely pathogenic. Review status: criteria provided, multiple submitters, no conflicts (2 of 4 stars). 2 submissions from 2 submitters: Pathogenic (1); Likely pathogenic (1). Last evaluated 2023-11-10.

Conditions:
Retinitis pigmentosa 39 (RP39). Identifiers: Orphanet 791, MedGen C3151138, MONDO:0013436, OMIM 613809.

Submissions (2):

Labcorp Genetics (formerly Invitae), Labcorp
Classification: Pathogenic. Last evaluated: 2023-11-10. Review status: criteria provided, single submitter. Criteria: Invitae Variant Classification Sherloc (09022015). Collection method: clinical testing. Allele origin: germline.
Comment: This sequence change creates a premature translational stop signal (p.Asp2436Argfs*26) in the USH2A gene. It is expected to result in an absent or disrupted protein product. Loss-of-function variants in USH2A are known to be pathogenic (PMID: 10729113, 10909849, 20507924, 25649381). This variant is not present in population databases (gnomAD no frequency). This variant has not been reported in the literature in individuals affected with USH2A-related conditions. For these reasons, this variant has been classified as Pathogenic.

Baylor Genetics
Classification: Likely pathogenic for Retinitis pigmentosa 39. Last evaluated: 2022-11-22. Review status: criteria provided, single submitter. Criteria: ACMG Guidelines, 2015. Collection method: clinical testing. Allele origin: unknown.

Literature cited by the submitters: PubMed 10729113 (cited by Labcorp Genetics (formerly Invitae), Labcorp); PubMed 10909849 (cited by Labcorp Genetics (formerly Invitae), Labcorp); PubMed 20507924 (cited by Labcorp Genetics (formerly Invitae), Labcorp); PubMed 25649381 (cited by Labcorp Genetics (formerly Invitae), Labcorp).